The following is an entry in ClinVar:

NM_001330288.2(SMARCC2):c.992A>G (p.His331Arg)

Gene: SMARCC2 (SWI/SNF related, matrix associated, actin dependent regulator of chromatin subfamily c member 2; minus strand). Cytogenetic location: 12q13.2.
Variant type: single nucleotide variant.
Coding change: c.992A>G on transcript NM_001330288.2 (MANE Select); coding-DNA position 992, A replaced by G.
Protein change: p.His331Arg; replaces histidine 331 with arginine.
Molecular consequence: missense variant.
Genome position (GRCh38, 1-based): chr12:56,181,066, T>C on the plus strand (A>G on the coding strand, the complement: SMARCC2 is on the minus strand). VCF-style: chr12-56181066-T-C. GRCh37 (hg19) VCF-style: chr12-56574850-T-C.
Other names: c.992A>G, p.His331Arg (NM_001130420.3, NM_003075.5, NM_139067.4); short protein forms H331R.
Identifiers: ClinVar variation 1310717 (VCV001310717.2), dbSNP rs2135731469, ClinGen allele CA385352883.

ClinVar aggregate classification (germline): Uncertain significance (1 of 4 stars; one submission).

Submission:

GeneDx
Classification: Uncertain significance. Last evaluated: 2019-12-17. Review status: criteria provided, single submitter. Criteria: GeneDx Variant Classification Process June 2021. Collection method: clinical testing. Allele origin: germline. Affected: yes.
Comment: Not observed in large population cohorts (Lek et al., 2016); In silico analysis, which includes protein predictors and evolutionary conservation, supports that this variant does not alter protein structure/function; Has not been previously published as pathogenic or benign to our knowledge